The following is an entry in ClinVar:

ClinVar aggregate classification (germline): Uncertain significance (1 of 4 stars; one submission).

Conditions:
Lethal multiple pterygium syndrome (LMPS). Identifiers: Orphanet 33108, MedGen C1854678, MONDO:0009668, OMIM 253290.

Submission:

Labcorp Genetics (formerly Invitae), Labcorp
Classification: Uncertain significance for Lethal multiple pterygium syndrome. Last evaluated: 2023-01-18. Review status: criteria provided, single submitter. Criteria: Invitae Variant Classification Sherloc (09022015). Collection method: clinical testing. Allele origin: germline.
Comment: In summary, the available evidence is currently insufficient to determine the role of this variant in disease. Therefore, it has been classified as a Variant of Uncertain Significance. Advanced modeling of protein sequence and biophysical properties (such as structural, functional, and spatial information, amino acid conservation, physicochemical variation, residue mobility, and thermodynamic stability) performed at Invitae indicates that this missense variant is not expected to disrupt CHRNA1 protein function. This variant has not been reported in the literature in individuals affected with CHRNA1-related conditions. This variant is not present in population databases (gnomAD no frequency). This sequence change replaces histidine, which is basic and polar, with asparagine, which is neutral and polar, at codon 428 of the CHRNA1 protein (p.His428Asn).

NM_000079.4(CHRNA1):c.1282C>A (p.His428Asn)

Gene: CHRNA1 (cholinergic receptor nicotinic alpha 1 subunit; minus strand). Cytogenetic location: 2q31.1.
Variant type: single nucleotide variant.
Coding change: c.1282C>A on transcript NM_000079.4 (MANE Select); coding-DNA position 1282, C replaced by A.
Protein change: p.His428Asn; replaces histidine 428 with asparagine.
Molecular consequence: missense variant.
Genome position (GRCh38, 1-based): chr2:174,748,216, G>T on the plus strand (C>A on the coding strand, the complement: CHRNA1 is on the minus strand). VCF-style: chr2-174748216-G-T. GRCh37 (hg19) VCF-style: chr2-175612944-G-T.
Other names: c.1357C>A, p.His453Asn (NM_001039523.3); short protein forms H428N, H453N.
Identifiers: ClinVar variation 2991689 (VCV002991689.3), dbSNP rs2468885886, ClinGen allele CA349333599.